The following is an entry in ClinVar:

ClinVar aggregate classification (germline): Uncertain significance (1 of 4 stars; one submission).

Submission:

Labcorp Genetics (formerly Invitae), Labcorp
Classification: Uncertain significance. Last evaluated: 2023-07-10. Review status: criteria provided, single submitter. Criteria: Invitae Variant Classification Sherloc (09022015). Collection method: clinical testing. Allele origin: germline.
Comment: ClinVar contains an entry for this variant (Variation ID: 2096409). In summary, the available evidence is currently insufficient to determine the role of this variant in disease. Therefore, it has been classified as a Variant of Uncertain Significance. An algorithm developed to predict the effect of missense changes on protein structure and function (PolyPhen-2) suggests that this variant is likely to be disruptive. This variant has not been reported in the literature in individuals affected with FAM161A-related conditions. This variant is not present in population databases (gnomAD no frequency). This sequence change replaces leucine, which is neutral and non-polar, with valine, which is neutral and non-polar, at codon 559 of the FAM161A protein (p.Leu559Val).

NM_001201543.2(FAM161A):c.1675C>G (p.Leu559Val)

Gene: FAM161A (FAM161 centrosomal protein A; minus strand). Cytogenetic location: 2p15.
Variant type: single nucleotide variant.
Coding change: c.1675C>G on transcript NM_001201543.2 (MANE Select); coding-DNA position 1675, C replaced by G.
Protein change: p.Leu559Val; replaces leucine 559 with valine.
Molecular consequence: missense variant. On other transcripts: intron variant (1).
Genome position (GRCh38, 1-based): chr2:61,838,614, G>C on the plus strand (C>G on the coding strand, the complement: FAM161A is on the minus strand). VCF-style: chr2-61838614-G-C. GRCh37 (hg19) VCF-style: chr2-62065749-G-C.
Other names: c.1583+807C>G (NM_032180.3); short protein forms L559V.
Identifiers: ClinVar variation 2096409 (VCV002096409.4), dbSNP rs2466018085, ClinGen allele CA346986010.